The following is an entry in ClinVar:

ClinVar aggregate classification (germline): Likely benign. Review status: criteria provided, multiple submitters, no conflicts (2 of 4 stars). 2 submissions from 2 submitters: Likely benign (2). Last evaluated 2025-06-27.

Conditions:
Aortic aneurysm, familial thoracic 8 (AAT8). Identifiers: MedGen C3809513, MONDO:0014187, OMIM 615436.

Allele frequency attached by ClinVar (database versions not stated): gnomAD exomes 0.00001.
gnomAD v4.1: 4 of 1,589,414 alleles (0.00025%); highest among the groups gnomAD compares: Non-Finnish European, 0.00034%; no homozygotes.

Submissions (2):

Mayo Clinic Laboratories, Mayo Clinic
Classification: Likely benign. Last evaluated: 2025-06-27. Review status: criteria provided, single submitter. Criteria: ACMG Guidelines, 2015. Collection method: clinical testing. Allele origin: germline. Observed: 1 variant allele.
Comment: BP4, BP7

Labcorp Genetics (formerly Invitae), Labcorp
Classification: Likely benign for Aortic aneurysm, familial thoracic 8. Last evaluated: 2022-02-08. Review status: criteria provided, single submitter. Criteria: Invitae Variant Classification Sherloc (09022015). Collection method: clinical testing. Allele origin: germline.

NM_006258.4(PRKG1):c.1725C>A (p.Gly575=)

Gene: PRKG1 (protein kinase cGMP-dependent 1; plus strand). Cytogenetic location: 10q21.1.
Variant type: single nucleotide variant.
Coding change: c.1725C>A on transcript NM_006258.4 (MANE Select); coding-DNA position 1725, C replaced by A.
Protein change: p.Gly575=; no amino-acid change (glycine 575 retained).
Molecular consequence: synonymous variant.
Genome position (GRCh38, 1-based): chr10:52,288,741, C>A. VCF-style: chr10-52288741-C-A. GRCh37 (hg19) VCF-style: chr10-54048501-C-A.
Other names: p.Gly575=; c.1680C>A, p.Gly560= (NM_001098512.3); c.516C>A, p.Gly172= (NM_001374781.1).
Identifiers: ClinVar variation 1583572 (VCV001583572.9), dbSNP rs75921640, ClinGen allele CA207401557.